The following is an entry in ClinVar:

NM_000535.7(PMS2):c.250+17T>G

Gene: PMS2 (PMS1 homolog 2, mismatch repair system component; minus strand). Cytogenetic location: 7p22.1.
Variant type: single nucleotide variant.
Coding change: c.250+17T>G on transcript NM_000535.7 (MANE Select); 17 bases into the intron after coding-DNA position 250, T replaced by G.
Molecular consequence: intron variant.
Genome position (GRCh38, 1-based): chr7:6,003,955, A>C on the plus strand (T>G on the coding strand, the complement: PMS2 is on the minus strand). VCF-style: chr7-6003955-A-C. GRCh37 (hg19) VCF-style: chr7-6043586-A-C.
Other names: c.35+17T>G (NM_001322008.2, NM_001322007.2); c.-156+17T>G (NM_001322010.2, NM_001322004.2, NM_001322013.2 and 3 more transcripts); c.-635+17T>G (NM_001322012.2, NM_001322011.2); c.-235+17T>G (NM_001322015.2); c.250+17T>G (NM_001322006.2, NM_001322014.2).
Identifiers: ClinVar variation 391337 (VCV000391337.5), dbSNP rs1057524040, ClinGen allele CA16605367.

ClinVar aggregate classification (germline): Likely benign. Review status: criteria provided, multiple submitters, no conflicts (2 of 4 stars). 2 submissions from 2 submitters: Likely benign (2). Last evaluated 2022-10-06.

Conditions:
Hereditary nonpolyposis colorectal neoplasms. Identifiers: MedGen C0009405, MeSH D003123.

Submissions (2):

Labcorp Genetics (formerly Invitae), Labcorp
Classification: Likely benign for Hereditary nonpolyposis colorectal neoplasms. Last evaluated: 2022-10-06. Review status: criteria provided, single submitter. Criteria: Invitae Variant Classification Sherloc (09022015). Collection method: clinical testing. Allele origin: germline.

GeneDx
Classification: Likely benign. Last evaluated: 2016-11-29. Review status: criteria provided, single submitter. Criteria: GeneDx Variant Classification (06012015). Collection method: clinical testing. Allele origin: germline. Affected: yes.
Comment: This variant is considered likely benign or benign based on one or more of the following criteria: it is a conservative change, it occurs at a poorly conserved position in the protein, it is predicted to be benign by multiple in silico algorithms, and/or has population frequency not consistent with disease.